The following is an entry in ClinVar:

ClinVar aggregate classification (germline): Likely benign. Review status: criteria provided, multiple submitters, no conflicts (2 of 4 stars). 6 submissions from 6 submitters: Likely benign (3). 3 of the submissions do not count toward it. Last evaluated 2021-08-09.

Conditions:
Cornelia de Lange syndrome 4 (CDLS4). Also called: CORNELIA DE LANGE SYNDROME 4 WITH OR WITHOUT MIDLINE BRAIN DEFECTS; RAD21-Related Cornelia de Lange Syndrome. Identifiers: Orphanet 199, MedGen C3553517, MONDO:0013864, OMIM 614701.
Mungan syndrome (MGS). Identifiers: MedGen C1969653, MONDO:0012657, OMIM 611376.

Allele frequency attached by ClinVar (database versions not stated): 1000 Genomes Project 0.00080; 1000 Genomes Project 30x 0.00109; TOPMed 0.00112; ESP Exome Variant Server 0.00123; gnomAD exomes 0.00124; gnomAD 0.00125 and 0.00127; ExAC 0.00138.
gnomAD v4.1: 2,816 of 1,533,520 alleles (0.18%); highest among the groups gnomAD compares: Non-Finnish European, 0.23%; 3 homozygotes.

Submissions (14):

Fulgent Genetics
Classification: Likely benign for Mungan syndrome; Cornelia de Lange syndrome 4. Last evaluated: 2021-08-09. Review status: criteria provided, single submitter. Criteria: ACMG Guidelines, 2015. Collection method: clinical testing. Allele origin: unknown.

Center for Pediatric Genomic Medicine, Children's Mercy Hospital and Clinics
Classification: Likely benign. Last evaluated: 2017-06-20. Review status: criteria provided, single submitter. Criteria: ACMG Guidelines, 2015. Collection method: clinical testing. Allele origin: germline.

GeneDx
Classification: Likely benign. Last evaluated: 2017-05-15. Review status: criteria provided, single submitter. Criteria: GeneDx Variant Classification (06012015). Collection method: clinical testing. Allele origin: germline. Affected: yes.
Comment: This variant is considered likely benign or benign based on one or more of the following criteria: it is a conservative change, it occurs at a poorly conserved position in the protein, it is predicted to be benign by multiple in silico algorithms, and/or has population frequency not consistent with disease.

Clinical Genetics DNA and cytogenetics Diagnostics Lab, Erasmus MC, Erasmus Medical Center
Classification: Likely benign. Review status: no assertion criteria provided. Collection method: clinical testing. Allele origin: germline. Affected: yes. Study: VKGL Data-share Consensus. Not counted in ClinVar's aggregate classification.

Diagnostic Laboratory, Department of Genetics, University Medical Center Groningen
Classification: Likely benign. Review status: no assertion criteria provided. Collection method: clinical testing. Allele origin: germline. Affected: yes. Study: VKGL Data-share Consensus. Not counted in ClinVar's aggregate classification.

Dr. Peter K. Rogan Lab, Western University
No classification provided (evidence only). Condition: Clear cell carcinoma of kidney. Review status: no classification provided. Collection method: in vitro. Allele origin: not applicable. Functional consequence: retained intron. Not counted in ClinVar's aggregate classification.

Dr. Peter K. Rogan Lab, Western University
No classification provided (evidence only). Condition: Lung cancer. Review status: no classification provided. Collection method: in vitro. Allele origin: not applicable. Functional consequence: retained intron. Not counted in ClinVar's aggregate classification.

Dr. Peter K. Rogan Lab, Western University
No classification provided (evidence only). Condition: Lung cancer. Review status: no classification provided. Collection method: in vitro. Allele origin: not applicable. Functional consequence: retained intron. Not counted in ClinVar's aggregate classification.

Dr. Peter K. Rogan Lab, Western University
No classification provided (evidence only). Condition: Acute myeloid leukemia. Review status: no classification provided. Collection method: in vitro. Allele origin: not applicable. Functional consequence: retained intron. Not counted in ClinVar's aggregate classification.

Dr. Peter K. Rogan Lab, Western University
No classification provided (evidence only). Condition: Thyroid cancer, nonmedullary, 1. Review status: no classification provided. Collection method: in vitro. Allele origin: not applicable. Functional consequence: retained intron. Not counted in ClinVar's aggregate classification.

Dr. Peter K. Rogan Lab, Western University
No classification provided (evidence only). Condition: Cervical cancer. Review status: no classification provided. Collection method: in vitro. Allele origin: not applicable. Functional consequence: retained intron. Not counted in ClinVar's aggregate classification.

Dr. Peter K. Rogan Lab, Western University
No classification provided (evidence only). Condition: Malignant tumor of esophagus. Review status: no classification provided. Collection method: in vitro. Allele origin: not applicable. Functional consequence: retained intron. Not counted in ClinVar's aggregate classification.

Dr. Peter K. Rogan Lab, Western University
No classification provided (evidence only). Condition: Chronic lymphocytic leukemia/small lymphocytic lymphoma. Review status: no classification provided. Collection method: in vitro. Allele origin: not applicable. Functional consequence: retained intron. Not counted in ClinVar's aggregate classification.

Laboratory of Diagnostic Genome Analysis, Leiden University Medical Center (LUMC)
Classification: Likely benign. Review status: no assertion criteria provided. Collection method: clinical testing. Allele origin: germline. Affected: yes. Study: VKGL Data-share Consensus. Not counted in ClinVar's aggregate classification.

NM_006265.3(RAD21):c.-32-1G>A

Gene: RAD21 (RAD21 cohesin complex component; minus strand). Cytogenetic location: 8q24.11.
Variant type: single nucleotide variant.
Coding change: c.-32-1G>A on transcript NM_006265.3 (MANE Select); the canonical splice acceptor site of the intron before 32 bases upstream of the start codon, G replaced by A.
Molecular consequence: splice acceptor variant.
Genome position (GRCh38, 1-based): chr8:116,866,762, C>T on the plus strand (G>A on the coding strand, the complement: RAD21 is on the minus strand). VCF-style: chr8-116866762-C-T. GRCh37 (hg19) VCF-style: chr8-117879001-C-T.
Other names: NC_000008.10:g.117879001C>T.
Identifiers: ClinVar variation 445861 (VCV000445861.9), dbSNP rs16889042, ClinGen allele CA4853175.